The following is an entry in ClinVar:

ClinVar aggregate classification (germline): Uncertain significance. Review status: criteria provided, multiple submitters, no conflicts (2 of 4 stars). 2 submissions from 2 submitters: Uncertain significance (2). Last evaluated 2023-11-07.

Conditions:
Familial hemiplegic migraine. Identifiers: MedGen C0338484, MONDO:0000700.

Submissions (2):

Labcorp Genetics (formerly Invitae), Labcorp
Classification: Uncertain significance for Familial hemiplegic migraine. Last evaluated: 2023-11-07. Review status: criteria provided, single submitter. Criteria: Invitae Variant Classification Sherloc (09022015). Collection method: clinical testing. Allele origin: germline.
Comment: This sequence change replaces threonine, which is neutral and polar, with isoleucine, which is neutral and non-polar, at codon 445 of the ATP1A2 protein (p.Thr445Ile). This variant is not present in population databases (gnomAD no frequency). This variant has not been reported in the literature in individuals affected with ATP1A2-related conditions. ClinVar contains an entry for this variant (Variation ID: 1700898). Advanced modeling of protein sequence and biophysical properties (such as structural, functional, and spatial information, amino acid conservation, physicochemical variation, residue mobility, and thermodynamic stability) performed at Invitae indicates that this missense variant is not expected to disrupt ATP1A2 protein function with a negative predictive value of 80%. In summary, the available evidence is currently insufficient to determine the role of this variant in disease. Therefore, it has been classified as a Variant of Uncertain Significance.

GeneDx
Classification: Uncertain significance. Last evaluated: 2023-09-20. Review status: criteria provided, single submitter. Criteria: GeneDx Variant Classification Process June 2021. Collection method: clinical testing. Allele origin: germline. Affected: yes.
Comment: Not observed at significant frequency in large population cohorts (gnomAD); In silico analysis supports that this missense variant does not alter protein structure/function; Has not been previously published as pathogenic or benign to our knowledge; This variant is associated with the following publications: (PMID: 18184292)

NM_000702.4(ATP1A2):c.1334C>T (p.Thr445Ile)

Gene: ATP1A2 (ATPase Na+/K+ transporting subunit alpha 2; plus strand). Cytogenetic location: 1q23.2.
Variant type: single nucleotide variant.
Coding change: c.1334C>T on transcript NM_000702.4 (MANE Select); coding-DNA position 1334, C replaced by T.
Protein change: p.Thr445Ile; replaces threonine 445 with isoleucine.
Molecular consequence: missense variant.
Genome position (GRCh38, 1-based): chr1:160,129,273, C>T. VCF-style: chr1-160129273-C-T. GRCh37 (hg19) VCF-style: chr1-160099063-C-T.
Other names: short protein forms T445I.
Identifiers: ClinVar variation 1700898 (VCV001700898.7), dbSNP rs2101989727, ClinGen allele CA343241731.